The following is an entry in ClinVar:

ClinVar aggregate classification (germline): Likely pathogenic (0 of 4 stars; one submission).

Conditions:
Intellectual disability, Neurodevelopmental defects and Developmental delay with 46,XY gonadal dysgenesis.

Allele frequency attached by ClinVar (database versions not stated): gnomAD 0.00001; gnomAD exomes 0.00001; TOPMed 0.00001; 1000 Genomes Project 30x 0.00016.
gnomAD v4.1: 15 of 1,614,120 alleles (0.00093%); highest among the groups gnomAD compares: Admixed American, 0.0017%; no homozygotes.

Submission:

Reproductive Development, Murdoch Childrens Research Institute
Classification: Likely pathogenic for Intellectual disability, Neurodevelopmental defects and Developmental delay with 46,XY gonadal dysgenesis. Last evaluated: 2023-03-06. Review status: no assertion criteria provided. Collection method: research. Allele origin: paternal. Inheritance: Autosomal recessive inheritance. Affected: yes. Observed: 1 variant allele.
Comment: It was identified as part of a larger study that has found biallelic variants in SART3 in nine children from six families with overlapping clinical features. The variant falls in a highly conserved residue within an important RRM protein domain. The variant is extremely rare or absent in population databases.

Literature cited by the submitters: PubMed 37296101.

NM_014706.4(SART3):c.2299C>T (p.Arg767Trp)

Gene: SART3 (spliceosome associated factor 3, U4/U6 recycling protein; minus strand). Cytogenetic location: 12q23.3.
Variant type: single nucleotide variant.
Coding change: c.2299C>T on transcript NM_014706.4 (MANE Select); coding-DNA position 2299, C replaced by T.
Protein change: p.Arg767Trp; replaces arginine 767 with tryptophan.
Molecular consequence: missense variant.
Genome position (GRCh38, 1-based): chr12:108,526,170, G>A on the plus strand (C>T on the coding strand, the complement: SART3 is on the minus strand). VCF-style: chr12-108526170-G-A. GRCh37 (hg19) VCF-style: chr12-108919947-G-A.
Other names: c.2353C>T, p.Arg785Trp (NM_001410983.1); short protein forms R767W, R785W.
Identifiers: ClinVar variation 2444507 (VCV002444507.1), dbSNP rs779659299, ClinGen allele CA243338238.